The following is an entry in ClinVar:

ClinVar aggregate classification (germline): Uncertain significance (1 of 4 stars; one submission).

Submission:

Labcorp Genetics (formerly Invitae), Labcorp
Classification: Uncertain significance. Last evaluated: 2023-03-14. Review status: criteria provided, single submitter. Criteria: Invitae Variant Classification Sherloc (09022015). Collection method: clinical testing. Allele origin: germline.
Comment: In summary, the available evidence is currently insufficient to determine the role of this variant in disease. Therefore, it has been classified as a Variant of Uncertain Significance. Advanced modeling of protein sequence and biophysical properties (such as structural, functional, and spatial information, amino acid conservation, physicochemical variation, residue mobility, and thermodynamic stability) performed at Invitae indicates that this missense variant is expected to disrupt ATP1A1 protein function. This variant has not been reported in the literature in individuals affected with ATP1A1-related conditions. This variant is not present in population databases (gnomAD no frequency). This sequence change replaces glycine, which is neutral and non-polar, with serine, which is neutral and polar, at codon 885 of the ATP1A1 protein (p.Gly885Ser).

NM_000701.8(ATP1A1):c.2653G>A (p.Gly885Ser)

Genes: ATP1A1-AS1 (ATP1A1 antisense RNA 1; minus strand), ATP1A1 (ATPase Na+/K+ transporting subunit alpha 1; plus strand). Cytogenetic location: 1p13.1.
Variant type: single nucleotide variant.
Coding change: c.2653G>A on transcript NM_000701.8 (MANE Select); coding-DNA position 2653, G replaced by A.
Protein change: p.Gly885Ser; replaces glycine 885 with serine.
Molecular consequence: missense variant. On other transcripts: non-coding transcript variant (2).
Genome position (GRCh38, 1-based): chr1:116,400,941, G>A. VCF-style: chr1-116400941-G-A. GRCh37 (hg19) VCF-style: chr1-116943563-G-A.
Other names: c.2653G>A, p.Gly885Ser (NM_001160233.2); c.2560G>A, p.Gly854Ser (NM_001160234.2); short protein forms G885S, G854S.
Identifiers: ClinVar variation 2783840 (VCV002783840.3), dbSNP rs2525891747, ClinGen allele CA341775009.
Genomic context (GRCh38, chr1:116,400,941, plus strand): 5'-GGCTTCTTTACTTACTTTGTGATTCTGGCTGAGAACGGCTTCCTCCCAATTCACCTGTTG[G>A]GCCTCCGAGTGGACTGGGATGACCGCTGGATCAACGATGTGGAAGACAGCTACGGGCAGC-3'
Protein context (NP_000692.2, residues 875-895): ENGFLPIHLL[Gly885Ser]LRVDWDDRWI